The following is an entry in ClinVar:

ClinVar aggregate classification (germline): Pathogenic. Review status: criteria provided, multiple submitters, no conflicts (2 of 4 stars). 2 submissions from 2 submitters: Pathogenic (2). Last evaluated 2024-01-20.

Conditions:
Long QT syndrome (LQTS). Identifiers: MedGen C0023976, MeSH D008133, MONDO:0002442. Disease mechanism: loss of function. Inheritance: Various modes of inheritance.

Submissions (2):

Labcorp Genetics (formerly Invitae), Labcorp
Classification: Pathogenic for Long QT syndrome. Last evaluated: 2024-01-20. Review status: criteria provided, single submitter. Criteria: Invitae Variant Classification Sherloc (09022015). Collection method: clinical testing. Allele origin: germline.
Comment: This sequence change creates a premature translational stop signal (p.Pro1034Glyfs*24) in the KCNH2 gene. It is expected to result in an absent or disrupted protein product. Loss-of-function variants in KCNH2 are known to be pathogenic (PMID: 10973849, 19862833). This variant is not present in population databases (gnomAD no frequency). This premature translational stop signal has been observed in individual(s) with long QT syndrome (PMID: 15840476). This variant is also known as 3098_3099insCG. ClinVar contains an entry for this variant (Variation ID: 456919). For these reasons, this variant has been classified as Pathogenic.

GeneDx
Classification: Pathogenic. Last evaluated: 2023-08-04. Review status: criteria provided, single submitter. Criteria: GeneDx Variant Classification Process June 2021. Collection method: clinical testing. Allele origin: germline. Affected: yes.
Comment: Reported in a patient with suspected long QT syndrome in published literature (Tester et al., 2005); Frameshift variant predicted to result in protein truncation or nonsense mediated decay in a gene for which loss of function is a known mechanism of disease; Not observed at significant frequency in large population cohorts (gnomAD); This variant is associated with the following publications: (PMID: 15840476)

Literature cited by the submitters: PubMed 10973849 (cited by Labcorp Genetics (formerly Invitae), Labcorp); PubMed 19862833 (cited by Labcorp Genetics (formerly Invitae), Labcorp); PubMed 15840476 (cited by Labcorp Genetics (formerly Invitae), Labcorp).

NM_000238.4(KCNH2):c.3097_3098dup (p.Pro1034fs)

Gene: KCNH2 (potassium voltage-gated channel subfamily H member 2; minus strand). Cytogenetic location: 7q36.1.
Variant type: Duplication.
Coding change: c.3097_3098dup on transcript NM_000238.4 (MANE Select); coding-DNA positions 3097 to 3098, 2 bases duplicated (CG; older notation c.3097_3098dupCG).
Protein change: p.Pro1034fs; shifts the reading frame from proline 1034.
Molecular consequence: frameshift variant.
Genome position (GRCh38, 1-based): chr7:150,947,382-150,947,383, CG duplicated on the plus strand (CG on the coding strand, the reverse complement: KCNH2 is on the minus strand); duplicating any 2 consecutive bases within chr7:150,947,382-150,947,384 gives the same sequence; the c. name uses the placement nearest the transcript's 3' end. VCF-style (leftmost placement, unchanged base first): chr7-150947381-C-CCG. GRCh37 (hg19) VCF-style: chr7-150644469-C-CCG.
Other names: c.3097_3098dupCG (NM_000238.3, NM_000238.2); c.3097_3098dup (NM_000238.2); c.2077_2078dup, p.Pro694fs (NM_172057.3); short protein forms P694fs, P1034fs.
Identifiers: ClinVar variation 456919 (VCV000456919.10), dbSNP rs1554424079, ClinGen allele CA658656012.